The following is an entry in ClinVar:

NC_000009.12:g.35658064_35658065insTTGTTTTATGGTTAGGGTCCTCAGCTTCACAGAGTAGTATTTTATAGCCCTAAAGAAATT

Gene: RMRP (RNA component of mitochondrial RNA processing endoribonuclease; minus strand). Cytogenetic location: 9p13.3.
Variant type: Insertion.
Genome position: GRCh38: chr9:35,658,064-35,658,065. GRCh37 (hg19): chr9:35,658,061-35,658,062.
Identifiers: ClinVar variation 1066656 (VCV001066656.9), dbSNP rs2131809584, ClinGen allele CA2499219888.

ClinVar aggregate classification (germline): Likely pathogenic (1 of 4 stars; one submission).

Conditions:
Anauxetic dysplasia. Identifiers: Orphanet 93347, MedGen C1846796, MONDO:0011773.

Submission:

Labcorp Genetics (formerly Invitae), Labcorp
Classification: Likely pathogenic for Anauxetic dysplasia. Last evaluated: 2021-04-16. Review status: criteria provided, single submitter. Criteria: Invitae Variant Classification Sherloc (09022015). Collection method: clinical testing. Allele origin: germline.
Comment: This variant occurs in a non-coding region of the RMRP gene. It does not change the encoded amino acid sequence of the RMRP protein. In summary, the currently available evidence indicates that the variant is pathogenic, but additional data are needed to prove that conclusively. Therefore, this variant has been classified as Likely Pathogenic. While functional studies for this variant have not been reported, experimental analyses using patient derived cells, as well as in vitro transfection studies, have shown that promoter insertions result in silencing of RMRP transcription and reduced expression of the gene product (PMID: 11207361, 16254002). While this particular variant has not been reported in the literature, it is located in the promoter region between the TATA box and the transcription initiation site, and other insertions and duplications immediately upstream of the coding sequence have been reported in individuals affected with cartilage-hair hypoplasia-anauxetic dysplasia (CHH-AD) spectrum disorders (PMID: 16244706, 11207361, 12107819). The frequency data for this variant in the population databases is considered unreliable, as metrics indicate insufficient coverage at this position in the ExAC database.

Literature cited by the submitters: PubMed 11207361; PubMed 16254002; PubMed 16244706; PubMed 12107819.